The following is an entry in ClinVar:

ClinVar aggregate classification (germline): Conflicting classifications of pathogenicity. Review status: criteria provided, conflicting classifications (1 of 4 stars). 2 submissions from 2 submitters: Uncertain significance (1); Likely benign (1). Last evaluated 2025-05-07.

Conditions:
Familial hypocalciuric hypercalcemia (FHH). Also called: Familial benign hypercalcemia. Identifiers: Orphanet 405, MedGen C1809471, MONDO:0018458.

Submissions (2):

Athena Diagnostics
Classification: Uncertain significance. Last evaluated: 2025-05-07. Review status: criteria provided, single submitter. Criteria: Athena Diagnostics Criteria. Collection method: clinical testing. Allele origin: unknown.

Women's Health and Genetics/Laboratory Corporation of America, LabCorp
Classification: Likely benign for Familial Hypocalciuric Hypercalcemia. Last evaluated: 2011-08-18. Review status: criteria provided, single submitter. Criteria: LabCorp Variant Classification Summary - May 2015. Collection method: curation, clinical testing. Allele origin: germline. Inheritance: autosomal unknown. Affected: yes.
ClinVar note: Converted during submission from likely benign to Likely benign.

NM_000388.4(CASR):c.1686C>T (p.Cys562=)

Gene: CASR (calcium sensing receptor; plus strand). Cytogenetic location: 3q21.1.
Variant type: single nucleotide variant.
Coding change: c.1686C>T on transcript NM_000388.4 (MANE Select); coding-DNA position 1686, C replaced by T.
Protein change: p.Cys562=; no amino-acid change (cysteine 562 retained).
Molecular consequence: synonymous variant.
Genome position (GRCh38, 1-based): chr3:122,282,190, C>T. VCF-style: chr3-122282190-C-T. GRCh37 (hg19) VCF-style: chr3-122001037-C-T.
Other names: c.1716C>T, p.Cys572= (NM_001178065.2).
Identifiers: ClinVar variation 35783 (VCV000035783.5), dbSNP rs193922428, ClinGen allele CA213572.